The following is an entry in ClinVar:

ClinVar aggregate classification (germline): Uncertain significance (1 of 4 stars; one submission).

gnomAD v4.1: 10 of 1,604,662 alleles (0.00062%); highest among the groups gnomAD compares: Non-Finnish European, 0.00077%; no homozygotes.

Submission:

CeGaT Center for Human Genetics Tuebingen
Classification: Uncertain significance. Last evaluated: 2025-11-01. Review status: criteria provided, single submitter. Criteria: CeGaT Center For Human Genetics Tuebingen Variant Classification Criteria Version 2. Collection method: clinical testing. Allele origin: germline. Affected: yes. Observed: 1 variant allele.
Comment: CFAP43: PM2, PP3

NM_025145.7(CFAP43):c.1544C>T (p.Thr515Ile)

Gene: CFAP43 (cilia and flagella associated protein 43; minus strand). Cytogenetic location: 10q25.1.
Variant type: single nucleotide variant.
Coding change: c.1544C>T on transcript NM_025145.7 (MANE Select); coding-DNA position 1544, C replaced by T.
Protein change: p.Thr515Ile; replaces threonine 515 with isoleucine.
Molecular consequence: missense variant.
Genome position (GRCh38, 1-based): chr10:104,192,201, G>A on the plus strand (C>T on the coding strand, the complement: CFAP43 is on the minus strand). VCF-style: chr10-104192201-G-A. GRCh37 (hg19) VCF-style: chr10-105951959-G-A.
Other names: short protein forms T515I.
Identifiers: ClinVar variation 4535319 (VCV004535319.6).
Genomic context (GRCh38, chr10:104,192,201, plus strand): 5'-AACCTTAAATTCTTTGAAATAATCAATATTTTAAATTAATCAGCATTCTATGTTGTACCT[G>A]TGAATCCAATAATCTGAAATGAGCTTGAGGAGTTGGCATTGATAATAAAGACTTTTCCTT-3'
Protein context (NP_079421.5, residues 505-525): SSSSFQIIGF[Thr515Ile]EVAKDILQIS